The following is an entry in ClinVar:

NM_000548.5(TSC2):c.1443+255C>T

Gene: TSC2 (TSC complex subunit 2; plus strand). Cytogenetic location: 16p13.3.
Variant type: single nucleotide variant.
Coding change: c.1443+255C>T on transcript NM_000548.5 (MANE Select); 255 bases into the intron after coding-DNA position 1443, C replaced by T.
Molecular consequence: intron variant.
Genome position (GRCh38, 1-based): chr16:2,063,308, C>T. VCF-style: chr16-2063308-C-T. GRCh37 (hg19) VCF-style: chr16-2113309-C-T.
Other names: c.1443+255C>T (NM_001114382.3, NM_021055.3, NM_001370405.1 and 3 more transcripts); c.1332+255C>T (NM_001318827.2); c.843+255C>T (NM_001318831.2); c.1296+255C>T (NM_001318829.2); c.1476+255C>T (NM_001318832.2).
Identifiers: ClinVar variation 679777 (VCV000679777.1), dbSNP rs116134738, ClinGen allele CA276778266.

ClinVar aggregate classification (germline): Likely benign (1 of 4 stars; one submission).

Allele frequency attached by ClinVar (database versions not stated): gnomAD exomes 0.00108; gnomAD 0.00802 and 0.00875; 1000 Genomes Project 0.00899; TOPMed 0.00950; 1000 Genomes Project 30x 0.01031.

Submission:

GeneDx
Classification: Likely benign. Last evaluated: 2018-06-14. Review status: criteria provided, single submitter. Criteria: GeneDx Variant Classification (06012015). Collection method: clinical testing. Allele origin: germline. Affected: yes.
Comment: This variant is considered likely benign or benign based on one or more of the following criteria: it is a conservative change, it occurs at a poorly conserved position in the protein, it is predicted to be benign by multiple in silico algorithms, and/or has population frequency not consistent with disease.